The following is an entry in ClinVar:

ClinVar aggregate classification (germline): Uncertain significance (1 of 4 stars; one submission).

Allele frequency attached by ClinVar (database versions not stated): gnomAD exomes 0.00001; TOPMed 0.00001; ExAC 0.00002; gnomAD 0.00003; 1000 Genomes Project 0.00020; 1000 Genomes Project 30x 0.00031.
gnomAD v4.1: 15 of 1,614,002 alleles (0.00093%); highest among the groups gnomAD compares: East Asian, 0.0089%; no homozygotes.

Submission:

Ambry Genetics
Classification: Uncertain significance. Last evaluated: 2023-08-07. Review status: criteria provided, single submitter. Criteria: Ambry Variant Classification Scheme 2023. Collection method: clinical testing. Allele origin: germline.
Comment: The p.S747L variant (also known as c.2240C>T), located in coding exon 19 of the A2ML1 gene, results from a C to T substitution at nucleotide position 2240. The serine at codon 747 is replaced by leucine, an amino acid with dissimilar properties. This amino acid position is conserved. In addition, this alteration is predicted to be tolerated by in silico analysis. Since supporting evidence is limited at this time, the clinical significance of this alteration remains unclear.

NM_144670.6(A2ML1):c.2240C>T (p.Ser747Leu)

Gene: A2ML1 (alpha-2-macroglobulin like 1; plus strand). Cytogenetic location: 12p13.31.
Variant type: single nucleotide variant.
Coding change: c.2240C>T on transcript NM_144670.6 (MANE Select); coding-DNA position 2240, C replaced by T.
Protein change: p.Ser747Leu; replaces serine 747 with leucine.
Molecular consequence: missense variant.
Genome position (GRCh38, 1-based): chr12:8,851,789, C>T. VCF-style: chr12-8851789-C-T. GRCh37 (hg19) VCF-style: chr12-9004385-C-T.
Other names: c.767C>T, p.Ser256Leu (NM_001282424.3); short protein forms S256L, S747L.
Identifiers: ClinVar variation 2626060 (VCV002626060.2), dbSNP rs755833592, ClinGen allele CA6435963.